The following is an entry in ClinVar:

ClinVar aggregate classification (germline): Uncertain significance (1 of 4 stars; one submission).

Conditions:
Inborn genetic diseases. Identifiers: MedGen C0950123, MeSH D030342.

Submission:

Ambry Genetics
Classification: Uncertain significance for Inborn genetic diseases. Last evaluated: 2025-06-19. Review status: criteria provided, single submitter. Criteria: Ambry Variant Classification Scheme 2023. Collection method: clinical testing. Allele origin: germline.
Comment: The p.L476P variant (also known as c.1427T>C), located in coding exon 7 of the SH2B3 gene, results from a T to C substitution at nucleotide position 1427. The leucine at codon 476 is replaced by proline, an amino acid with similar properties. This amino acid position is conserved. In addition, this alteration is predicted to be tolerated by in silico analysis. Based on the available evidence, the clinical significance of this variant remains unclear.

NM_005475.3(SH2B3):c.1427T>C (p.Leu476Pro)

Gene: SH2B3 (SH2B adaptor protein 3; plus strand). Cytogenetic location: 12q24.12.
Variant type: single nucleotide variant.
Coding change: c.1427T>C on transcript NM_005475.3 (MANE Select); coding-DNA position 1427, T replaced by C.
Protein change: p.Leu476Pro; replaces leucine 476 with proline.
Molecular consequence: missense variant.
Genome position (GRCh38, 1-based): chr12:111,448,001, T>C. VCF-style: chr12-111448001-T-C. GRCh37 (hg19) VCF-style: chr12-111885805-T-C.
Other names: c.821T>C, p.Leu274Pro (NM_001291424.1); short protein forms L476P, L274P.
Identifiers: ClinVar variation 4163897 (VCV004163897.1).